The following is an entry in ClinVar:

NM_025219.3(DNAJC5):c.593A>G (p.Asn198Ser)

Gene: DNAJC5 (DnaJ heat shock protein family (Hsp40) member C5; plus strand). Cytogenetic location: 20q13.33.
Variant type: single nucleotide variant.
Coding change: c.593A>G on transcript NM_025219.3 (MANE Select); coding-DNA position 593, A replaced by G.
Protein change: p.Asn198Ser; replaces asparagine 198 with serine.
Molecular consequence: missense variant.
Genome position (GRCh38, 1-based): chr20:63,931,564, A>G. VCF-style: chr20-63931564-A-G. GRCh37 (hg19) VCF-style: chr20-62562917-A-G.
Other names: short protein forms N198S.
Identifiers: ClinVar variation 1509042 (VCV001509042.6), dbSNP rs778299599, ClinGen allele CA9969815.

ClinVar aggregate classification (germline): Uncertain significance (1 of 4 stars; one submission).

Conditions:
Neuronal ceroid lipofuscinosis. Also called: Neuronal Ceroid Lipofuscinoses. Identifiers: Orphanet 216, Orphanet 79263, MedGen C0027877, MONDO:0016295. Disease mechanism: loss of function.

Allele frequency attached by ClinVar (database versions not stated): gnomAD exomes 0.00001; TOPMed 0.00001; ExAC 0.00003.
gnomAD v4.1: 8 of 1,566,408 alleles (0.00051%); highest among the groups gnomAD compares: East Asian, 0.0071%; no homozygotes.

Submission:

Labcorp Genetics (formerly Invitae), Labcorp
Classification: Uncertain significance for Neuronal ceroid lipofuscinosis. Last evaluated: 2025-05-06. Review status: criteria provided, single submitter. Criteria: Invitae Variant Classification Sherloc (09022015). Collection method: clinical testing. Allele origin: germline.
Comment: This sequence change replaces asparagine, which is neutral and polar, with serine, which is neutral and polar, at codon 198 of the DNAJC5 protein (p.Asn198Ser). This variant is present in population databases (rs778299599, gnomAD 0.008%). This variant has not been reported in the literature in individuals affected with DNAJC5-related conditions. ClinVar contains an entry for this variant (Variation ID: 1509042). An algorithm developed to predict the effect of missense changes on protein structure and function (PolyPhen-2) suggests that this variant is likely to be tolerated. In summary, the available evidence is currently insufficient to determine the role of this variant in disease. Therefore, it has been classified as a Variant of Uncertain Significance.